The following is an entry in ClinVar:

NM_133444.3(ZNF526):c.1395C>T (p.His465=)

Gene: ZNF526 (zinc finger protein 526; plus strand). Cytogenetic location: 19q13.2.
Variant type: single nucleotide variant.
Coding change: c.1395C>T on transcript NM_133444.3 (MANE Select); coding-DNA position 1395, C replaced by T.
Protein change: p.His465=; no amino-acid change (histidine 465 retained).
Molecular consequence: synonymous variant.
Genome position (GRCh38, 1-based): chr19:42,225,798, C>T. VCF-style: chr19-42225798-C-T. GRCh37 (hg19) VCF-style: chr19-42729950-C-T.
Other names: c.1395C>T, p.His465= (NM_001314033.3).
Identifiers: ClinVar variation 5039494 (VCV005039494.1).

ClinVar aggregate classification (germline): Likely benign (1 of 4 stars; one submission).

Submission:

CeGaT Center for Human Genetics Tuebingen
Classification: Likely benign. Last evaluated: 2026-08-01. Review status: criteria provided, single submitter. Criteria: CeGaT Center For Human Genetics Tuebingen Variant Classification Criteria Version 2. Collection method: clinical testing. Allele origin: germline. Affected: yes. Observed: 1 variant allele.
Comment: ZNF526: BP4, BP7